The following is an entry in ClinVar:

NM_012309.5(SHANK2):c.2672C>T (p.Pro891Leu)

Gene: SHANK2 (SH3 and multiple ankyrin repeat domains 2; minus strand). Cytogenetic location: 11q13.3.
Variant type: single nucleotide variant.
Coding change: c.2672C>T on transcript NM_012309.5 (MANE Select); coding-DNA position 2672, C replaced by T.
Protein change: p.Pro891Leu; replaces proline 891 with leucine.
Molecular consequence: missense variant.
Genome position (GRCh38, 1-based): chr11:70,487,621, G>A on the plus strand (C>T on the coding strand, the complement: SHANK2 is on the minus strand). VCF-style: chr11-70487621-G-A. GRCh37 (hg19) VCF-style: chr11-70333726-G-A.
Other names: c.1535C>T, p.Pro512Leu (NM_001379226.1); c.908C>T, p.Pro303Leu (NM_133266.5); short protein forms P303L, P512L, P891L.
Identifiers: ClinVar variation 3350380 (VCV003350380.1).

ClinVar aggregate classification (germline): Uncertain significance (0 of 4 stars; one submission).

Conditions:
SHANK2-related disorder.

gnomAD v4.1: 5 of 1,606,476 alleles (0.00031%); highest among the groups gnomAD compares: Non-Finnish European, 0.00034%; no homozygotes.

Submission:

PreventionGenetics, part of Exact Sciences
Classification: Uncertain significance for SHANK2-related condition. Last evaluated: 2024-04-09. Review status: no assertion criteria provided. Collection method: clinical testing. Allele origin: germline.
Comment: The SHANK2 c.2672C>T variant is predicted to result in the amino acid substitution p.Pro891Leu. To our knowledge, this variant has not been reported in the literature or in a large population database, indicating this variant is rare. At this time, the clinical significance of this variant is uncertain due to the absence of conclusive functional and genetic evidence.